The following is an entry in ClinVar:

NM_024596.5(MCPH1):c.1179del (p.Arg393fs)

Gene: MCPH1 (microcephalin 1; plus strand). Cytogenetic location: 8p23.1.
Variant type: Deletion.
Coding change: c.1179del on transcript NM_024596.5 (MANE Select); coding-DNA position 1179, one base deleted (G; older notation c.1179delG).
Protein change: p.Arg393fs; shifts the reading frame from arginine 393.
Molecular consequence: frameshift variant. On other transcripts: non-coding transcript variant (1).
Genome position (GRCh38, 1-based): chr8:6,444,901, G deleted; the last of 2 consecutive G bases (chr8:6,444,900-6,444,901); deleting either gives the same sequence. VCF-style (leftmost placement, unchanged base first): chr8-6444899-AG-A. GRCh37 (hg19) VCF-style: chr8-6302420-AG-A.
Other names: c.1179del, p.Arg393fs (NM_001172574.2, NM_001322042.2, NM_001363979.1 and 3 more transcripts); c.1035del, p.Arg345fs (NM_001172575.2); c.1173del, p.Arg391fs (NM_001322043.2); c.1077del, p.Arg359fs (NM_001322045.2); short protein forms R359fs, R345fs, R391fs, R393fs.
Identifiers: ClinVar variation 3720798 (VCV003720798.3).

ClinVar aggregate classification (germline): Pathogenic. Review status: criteria provided, multiple submitters, no conflicts (2 of 4 stars). 2 submissions from 2 submitters: Pathogenic (2). Last evaluated 2024-02-08.

Conditions:
MCPH1-related disorder. Also called: MCPH1-related condition.

Submissions (2):

Labcorp Genetics (formerly Invitae), Labcorp
Classification: Pathogenic. Last evaluated: 2024-02-08. Review status: criteria provided, single submitter. Criteria: Invitae Variant Classification Sherloc (09022015). Collection method: clinical testing. Allele origin: germline.
Comment: This sequence change creates a premature translational stop signal (p.Arg393Serfs*50) in the MCPH1 gene. While this is not anticipated to result in nonsense mediated decay, it is expected to disrupt the last 443 amino acid(s) of the MCPH1 protein. This variant is not present in population databases (gnomAD no frequency). This premature translational stop signal has been observed in individual(s) with autosomal recessive primary microcephaly (PMID: 22775483). It has also been observed to segregate with disease in related individuals. For these reasons, this variant has been classified as Pathogenic.

Blueprint Genetics
Classification: Pathogenic for MCPH1-related disorders. Last evaluated: 2019-10-08. Review status: criteria provided, single submitter. Criteria: ACMG Guidelines, 2015. Collection method: clinical testing. Allele origin: germline. Affected: yes. Observed: 1 variant allele.

Literature cited by the submitters: PubMed 22775483 (cited by Labcorp Genetics (formerly Invitae), Labcorp).